The following is an entry in ClinVar:

ClinVar aggregate classification (germline): Benign. Review status: criteria provided, multiple submitters, no conflicts (2 of 4 stars). 4 submissions from 4 submitters: Benign (4). Last evaluated 2023-04-11.

Conditions:
Maple syrup urine disease (MSUD). Identifiers: Orphanet 511, MedGen C0024776, MeSH D008375, MONDO:0009563. Disease mechanism: loss of function.

Allele frequency attached by ClinVar (database versions not stated): TOPMed 0.74482; gnomAD 0.74803 and 0.75808; 1000 Genomes Project 30x 0.76031; 1000 Genomes Project 0.76957; gnomAD exomes 0.88136.
gnomAD v4.1: 115,554 of 152,254 alleles (76%); highest among the groups gnomAD compares: East Asian, 95%; 46,217 homozygotes.

Submissions (4):

Genome-Nilou Lab
Classification: Benign for Maple syrup urine disease type 1A. Last evaluated: 2023-04-11. Review status: criteria provided, single submitter. Criteria: ACMG Guidelines, 2015. Collection method: clinical testing. Allele origin: germline. Affected: no.

GeneDx
Classification: Benign. Last evaluated: 2018-06-29. Review status: criteria provided, single submitter. Criteria: GeneDx Variant Classification Process June 2021. Collection method: clinical testing. Allele origin: germline. Affected: yes.

Illumina Laboratory Services, Illumina
Classification: Benign for Maple syrup urine disease type 1A. Last evaluated: 2018-01-13. Review status: criteria provided, single submitter. Criteria: ICSL Variant Classification Criteria 13 December 2019. Collection method: clinical testing. Allele origin: germline.
Comment: This variant was observed in the ICSL laboratory as part of a predisposition screen in an ostensibly healthy population. It had not been previously curated by ICSL or reported in the Human Gene Mutation Database (HGMD: prior to June 1st, 2018), and was therefore a candidate for classification through an automated scoring system. Utilizing variant allele frequency, disease prevalence and penetrance estimates, and inheritance mode, an automated score was calculated to assess if this variant is too frequent to cause the disease. Based on the score and internal cut-off values, a variant classified as benign is not then subjected to further curation. The score for this variant resulted in a classification of benign for this disease.

Breakthrough Genomics
Classification: Benign. Review status: criteria provided, single submitter. Criteria: ACMG Guidelines, 2015. Collection method: not provided. Allele origin: germline. Inheritance: Autosomal recessive inheritance. Affected: yes.

NM_001918.5(DBT):c.*3233C>T

Gene: DBT (dihydrolipoamide branched chain transacylase E2; minus strand). Cytogenetic location: 1p21.2.
Variant type: single nucleotide variant.
Coding change: c.*3233C>T on transcript NM_001918.5 (MANE Select); 3233 bases downstream of the stop codon, C replaced by T.
Molecular consequence: 3 prime UTR variant.
Genome position (GRCh38, 1-based): chr1:100,193,022, G>A on the plus strand (C>T on the coding strand, the complement: DBT is on the minus strand). VCF-style: chr1-100193022-G-A. GRCh37 (hg19) VCF-style: chr1-100658578-G-A.
Identifiers: ClinVar variation 291424 (VCV000291424.9), dbSNP rs2784174, ClinGen allele CA10607172.